The following is an entry in ClinVar:

ClinVar aggregate classification (germline): Benign/Likely benign. Review status: criteria provided, multiple submitters, no conflicts (2 of 4 stars). 3 submissions from 3 submitters: Benign (1); Likely benign (2). Last evaluated 2025-10-01.

Conditions:
Hereditary cancer-predisposing syndrome. Also called: Neoplastic Syndromes, Hereditary; Hereditary Cancer Syndrome; Hereditary neoplastic syndrome; Tumor predisposition. Identifiers: Orphanet 140162, MedGen C0027672, MeSH D009386, MONDO:0015356.
Familial cancer of breast. Also called: BREAST CANCER, FAMILIAL; Hereditary breast cancer; hereditary breast carcinoma. Identifiers: Orphanet 227535, MedGen C0346153, MONDO:0016419, OMIM 114480. Disease mechanism: loss of function.

Submissions (3):

Labcorp Genetics (formerly Invitae), Labcorp
Classification: Likely benign for Familial cancer of breast. Last evaluated: 2025-10-01. Review status: criteria provided, single submitter. Criteria: Invitae Variant Classification Sherloc (09022015). Collection method: clinical testing. Allele origin: germline.

Myriad Genetics, Inc.
Classification: Benign for Familial cancer of breast. Last evaluated: 2024-10-02. Review status: criteria provided, single submitter. Criteria: Myriad Autosomal Dominant, Autosomal Recessive and X-Linked Classification Criteria (2023). Collection method: clinical testing. Allele origin: unknown.
Comment: This variant is considered benign. This variant is a silent/synonymous amino acid change and it is not expected to impact splicing.

Ambry Genetics
Classification: Likely benign for Hereditary cancer-predisposing syndrome. Last evaluated: 2024-08-30. Review status: criteria provided, single submitter. Criteria: Ambry Variant Classification Scheme 2023. Collection method: clinical testing. Allele origin: germline.

NM_007194.4(CHEK2):c.483A>G (p.Glu161=)

Gene: CHEK2 (checkpoint kinase 2; minus strand). Cytogenetic location: 22q12.1.
Variant type: single nucleotide variant.
Coding change: c.483A>G on transcript NM_007194.4 (MANE Select); coding-DNA position 483, A replaced by G.
Protein change: p.Glu161=; no amino-acid change (glutamic acid 161 retained).
Molecular consequence: synonymous variant. On other transcripts: 5 prime UTR variant (2), intron variant (1).
Genome position (GRCh38, 1-based): chr22:28,725,086, T>C on the plus strand (A>G on the coding strand, the complement: CHEK2 is on the minus strand). VCF-style: chr22-28725086-T-C. GRCh37 (hg19) VCF-style: chr22-29121074-T-C.
Other names: c.612A>G, p.Glu204= (NM_001005735.3, NM_001438294.1); c.-295A>G (NM_001257387.3); c.-181A>G (NM_001437942.1); c.576A>G, p.Glu192= (NM_001438293.1, NM_001438295.1); c.483A>G, p.Glu161= (NM_145862.3); c.444+157A>G (NM_001349956.3).
Identifiers: ClinVar variation 1119161 (VCV001119161.12), dbSNP rs1601823895, ClinGen allele CA514168931.